The following is an entry in ClinVar:

ClinVar aggregate classification (germline): Benign. Review status: criteria provided, multiple submitters, no conflicts (2 of 4 stars). 7 submissions from 7 submitters: Benign (5). 2 of the submissions do not count toward it. Last evaluated 2025-09-15.

Conditions:
Cardiovascular phenotype. Identifiers: MedGen CN230736.
Dilated cardiomyopathy 1JJ (CMD1JJ). Identifiers: Orphanet 154, MedGen C3808935, MONDO:0014095, OMIM 615235.

Submissions (7):

Labcorp Genetics (formerly Invitae), Labcorp
Classification: Benign for Dilated cardiomyopathy 1JJ. Last evaluated: 2025-09-15. Review status: criteria provided, single submitter. Criteria: Invitae Variant Classification Sherloc (09022015). Collection method: clinical testing. Allele origin: germline.

Blueprint Genetics
Classification: Benign. Last evaluated: 2024-11-27. Review status: criteria provided, single submitter. Criteria: ACMG Guidelines, 2015. Collection method: clinical testing. Allele origin: germline.

Ambry Genetics
Classification: Benign for Cardiovascular phenotype. Last evaluated: 2015-03-11. Review status: criteria provided, single submitter. Criteria: Ambry Variant Classification Scheme 2023. Collection method: clinical testing. Allele origin: germline.

GeneDx
Classification: Benign. Last evaluated: 2013-11-22. Review status: criteria provided, single submitter. Criteria: GeneDx Variant Classification (06012015). Collection method: clinical testing. Allele origin: germline. Affected: yes.
Comment: This variant is considered likely benign or benign based on one or more of the following criteria: it is a conservative change, it occurs at a poorly conserved position in the protein, it is predicted to be benign by multiple in silico algorithms, and/or has population frequency not consistent with disease.

Biesecker Lab/Clinical Genomics Section, National Institutes of Health
Classification: Benign. Last evaluated: 2013-06-24. Review status: criteria provided, single submitter. Criteria: Ng et al. (Circ Cardiovasc Genet. 2013). Collection method: research. Allele origin: unknown. Observed: 835 variant alleles. Study: ClinSeq.
Comment: The study set was not selected for affection status in relation to any cancer. Pathogenicity categories were based on literature curation. See Pubmed ID:23861362 for details.

Medical sequencing

Clinical Genetics, Academic Medical Center
Classification: Benign. Review status: no assertion criteria provided. Collection method: clinical testing. Allele origin: germline. Affected: yes. Study: VKGL Data-share Consensus. Not counted in ClinVar's aggregate classification.

Diagnostic Laboratory, Department of Genetics, University Medical Center Groningen
Classification: Benign. Review status: no assertion criteria provided. Collection method: clinical testing. Allele origin: germline. Affected: yes. Study: VKGL Data-share Consensus. Not counted in ClinVar's aggregate classification.

NM_001105206.3(LAMA4):c.848= (p.Asp283=)

Gene: LAMA4 (laminin subunit alpha 4; minus strand). Cytogenetic location: 6q21.
Variant type: single nucleotide variant.
Coding change: c.848= on transcript NM_001105206.3 (MANE Select); coding-DNA position 848, no change from the reference sequence.
Protein change: p.Asp283=; no amino-acid change (aspartic acid 283 retained).
Molecular consequence: no sequence alteration.
Genome position: GRCh38 VCF-style: chr6-112187568-T-T. GRCh37 (hg19) VCF-style: chr6-112508770-G-T.
Other names: p.A276E:GCA>GAA; c.827C>A (LRG_433t2); c.827=, p.Asp276= (NM_001105207.3, NM_002290.5).
Identifiers: ClinVar variation 138067 (VCV000138067.18), dbSNP rs879974322.